The following is an entry in ClinVar:

ClinVar aggregate classification (germline): Likely pathogenic (1 of 4 stars; one submission).

Conditions:
Duchenne muscular dystrophy (DMD). Also called: MUSCULAR DYSTROPHY, PSEUDOHYPERTROPHIC PROGRESSIVE, DUCHENNE TYPE; Duchenne Muscular Dystrophy (DMD). Identifiers: Orphanet 98896, MedGen C0013264, MONDO:0010679, OMIM 310200.

Submission:

Labcorp Genetics (formerly Invitae), Labcorp
Classification: Likely pathogenic for Duchenne muscular dystrophy. Last evaluated: 2016-08-30. Review status: criteria provided, single submitter. Criteria: Invitae Variant Classification Sherloc (09022015). Collection method: clinical testing. Allele origin: germline.
Comment: This variant is a duplication of the genomic region encompassing exons 1-7 of the DMD gene. The 5' end of this event is unknown as it extends beyond the assayed region for this gene and therefore may encompass additional genes. The 3' boundary is likely confined to intron 7 of the DMD gene. This variant has been reported in an individual with Duchenne Muscular Dystrophy (PMID: 21515508). In addition, other duplications involving this region have also been reported in affected individuals (PMID: 17854090, 19730022). For these reasons, this variant has been classified as Likely Pathogenic.

NC_000023.10:g.(?_32827610)_(33229673_?)dup

Gene: DMD (dystrophin; minus strand). Cytogenetic location: Xp21.1.
Variant type: Duplication.
Identifiers: ClinVar variation 417481 (VCV000417481.1).